The following is an entry in ClinVar:

NM_001104.4(ACTN3):c.596G>A (p.Arg199Gln)

Gene: ACTN3 (actinin alpha 3; plus strand). Cytogenetic location: 11q13.2.
Variant type: single nucleotide variant.
Coding change: c.596G>A on transcript NM_001104.4 (MANE Select); coding-DNA position 596, G replaced by A.
Protein change: p.Arg199Gln; replaces arginine 199 with glutamine.
Molecular consequence: missense variant.
Genome position (GRCh38, 1-based): chr11:66,555,168, G>A. VCF-style: chr11-66555168-G-A. GRCh37 (hg19) VCF-style: chr11-66322639-G-A.
Other names: c.725G>A, p.Arg242Gln (NM_001258371.3); short protein forms R199Q, R242Q.
Identifiers: ClinVar variation 3033075 (VCV003033075.2), dbSNP rs34515982, ClinGen allele CA6124379.

ClinVar aggregate classification (germline): Likely benign (0 of 4 stars; one submission).

Conditions:
ACTN3-related disorder. Also called: ACTN3-related condition.

Allele frequency attached by ClinVar (database versions not stated): gnomAD 0.00147; TOPMed 0.00157; ExAC 0.00187; ESP Exome Variant Server 0.00208.
gnomAD v4.1: 2,270 of 1,613,880 alleles (0.14%); highest among the groups gnomAD compares: Non-Finnish European, 0.037%; 43 homozygotes.

Submission:

PreventionGenetics, part of Exact Sciences
Classification: Likely benign for ACTN3-related condition. Last evaluated: 2019-06-17. Review status: no assertion criteria provided. Collection method: clinical testing. Allele origin: germline.
Comment: This variant is classified as likely benign based on ACMG/AMP sequence variant interpretation guidelines (Richards et al. 2015 PMID: 25741868, with internal and published modifications).